The following is an entry in ClinVar:

ClinVar aggregate classification (germline): Uncertain significance (1 of 4 stars; one submission).

Conditions:
Autosomal dominant nocturnal frontal lobe epilepsy 5. Also called: Epilepsy, nocturnal frontal lobe, 5; CILIARY DYSKINESIA, PRIMARY, 28, WITHOUT SITUS INVERSUS; CILIARY DYSKINESIA, PRIMARY, 28, WITH SITUS INVERSUS; KCNT1-Related Epilepsy. Identifiers: Orphanet 98784, MedGen C3554306, MONDO:0014002, OMIM 615005.
Developmental and epileptic encephalopathy, 14 (DEE14). Also called: Early infantile epileptic encephalopathy 14. Identifiers: Orphanet 293181, MedGen C3554195, MONDO:0013989, OMIM 614959.

gnomAD v4.1: 4 of 1,561,616 alleles (0.00026%); highest among the groups gnomAD compares: Non-Finnish European, 0.00026%; no homozygotes.

Submission:

Labcorp Genetics (formerly Invitae), Labcorp
Classification: Uncertain significance for Autosomal dominant nocturnal frontal lobe epilepsy 5; Developmental and epileptic encephalopathy, 14. Last evaluated: 2022-11-15. Review status: criteria provided, single submitter. Criteria: Invitae Variant Classification Sherloc (09022015). Collection method: clinical testing. Allele origin: germline.
Comment: This variant is not present in population databases (gnomAD no frequency). This sequence change replaces methionine, which is neutral and non-polar, with valine, which is neutral and non-polar, at codon 859 of the KCNT1 protein (p.Met859Val). This variant has not been reported in the literature in individuals affected with KCNT1-related conditions. In summary, the available evidence is currently insufficient to determine the role of this variant in disease. Therefore, it has been classified as a Variant of Uncertain Significance. Advanced modeling of protein sequence and biophysical properties (such as structural, functional, and spatial information, amino acid conservation, physicochemical variation, residue mobility, and thermodynamic stability) has been performed at Invitae for this missense variant, however the output from this modeling did not meet the statistical confidence thresholds required to predict the impact of this variant on KCNT1 protein function.

NM_020822.3(KCNT1):c.2575A>G (p.Met859Val)

Gene: KCNT1 (potassium sodium-activated channel subfamily T member 1; plus strand). Cytogenetic location: 9q34.3.
Variant type: single nucleotide variant.
Coding change: c.2575A>G on transcript NM_020822.3 (MANE Select); coding-DNA position 2575, A replaced by G.
Protein change: p.Met859Val; replaces methionine 859 with valine.
Molecular consequence: missense variant.
Genome position (GRCh38, 1-based): chr9:135,778,476, A>G. VCF-style: chr9-135778476-A-G. GRCh37 (hg19) VCF-style: chr9-138670322-A-G.
Other names: c.2440A>G, p.Met814Val (NM_001272003.2); short protein forms M859V, M814V.
Identifiers: ClinVar variation 2932453 (VCV002932453.3), dbSNP rs2491034419, ClinGen allele CA375513951.